The following is an entry in ClinVar:

ClinVar aggregate classification (germline): Conflicting classifications of pathogenicity. Review status: criteria provided, conflicting classifications (1 of 4 stars). 3 submissions from 3 submitters: Uncertain significance (1); Likely benign (1). 1 of the submissions does not count toward it. Last evaluated 2024-02-05.

Conditions:
PCNT-related disorder. Also called: PCNT-related condition.

Allele frequency attached by ClinVar (database versions not stated): ExAC 0.00001; gnomAD 0.00003; TOPMed 0.00003; ESP Exome Variant Server 0.00008; 1000 Genomes Project 30x 0.00016; 1000 Genomes Project 0.00020.
gnomAD v4.1: 10 of 1,604,002 alleles (0.00062%); highest among the groups gnomAD compares: African/African-American, 0.0093%; no homozygotes.

Submissions (3):

Labcorp Genetics (formerly Invitae), Labcorp
Classification: Uncertain significance. Last evaluated: 2024-02-05. Review status: criteria provided, single submitter. Criteria: Invitae Variant Classification Sherloc (09022015). Collection method: clinical testing. Allele origin: germline.
Comment: This sequence change falls in intron 14 of the PCNT gene. It does not directly change the encoded amino acid sequence of the PCNT protein. It affects a nucleotide within the consensus splice site. This variant is present in population databases (rs200449293, gnomAD 0.009%). This variant has not been reported in the literature in individuals affected with PCNT-related conditions. ClinVar contains an entry for this variant (Variation ID: 1910964). Variants that disrupt the consensus splice site are a relatively common cause of aberrant splicing (PMID: 17576681, 9536098). Algorithms developed to predict the effect of sequence changes on RNA splicing suggest that this variant is not likely to affect RNA splicing. In summary, the available evidence is currently insufficient to determine the role of this variant in disease. Therefore, it has been classified as a Variant of Uncertain Significance.

Blueprint Genetics
Classification: Likely benign. Last evaluated: 2020-12-01. Review status: criteria provided, single submitter. Criteria: ACMG Guidelines, 2015. Collection method: clinical testing. Allele origin: germline.

PreventionGenetics, part of Exact Sciences
Classification: Likely benign for PCNT-related condition. Last evaluated: 2021-11-05. Review status: no assertion criteria provided. Collection method: clinical testing. Allele origin: germline. Not counted in ClinVar's aggregate classification.
Comment: This variant is classified as likely benign based on ACMG/AMP sequence variant interpretation guidelines (Richards et al. 2015 PMID: 25741868, with internal and published modifications).

Literature cited by the submitters: PubMed 17576681 (cited by Labcorp Genetics (formerly Invitae), Labcorp); PubMed 9536098 (cited by Labcorp Genetics (formerly Invitae), Labcorp).

NM_006031.6(PCNT):c.2609+4G>A

Gene: PCNT (pericentrin; plus strand). Cytogenetic location: 21q22.3.
Variant type: single nucleotide variant.
Coding change: c.2609+4G>A on transcript NM_006031.6 (MANE Select); 4 bases into the intron after coding-DNA position 2609, G replaced by A.
Molecular consequence: intron variant.
Genome position (GRCh38, 1-based): chr21:46,363,938, G>A. VCF-style: chr21-46363938-G-A. GRCh37 (hg19) VCF-style: chr21-47783853-G-A.
Other names: c.2255+4G>A (NM_001315529.2); c.2609+4G>A (NM_006031.5).
Identifiers: ClinVar variation 1910964 (VCV001910964.5), dbSNP rs200449293, ClinGen allele CA10079027.